The following is an entry in ClinVar:

NM_006922.4(SCN3A):c.5001T>G (p.Phe1667Leu)

Gene: SCN3A (sodium voltage-gated channel alpha subunit 3; minus strand). Cytogenetic location: 2q24.3.
Variant type: single nucleotide variant.
Coding change: c.5001T>G on transcript NM_006922.4 (MANE Select); coding-DNA position 5001, T replaced by G.
Protein change: p.Phe1667Leu; replaces phenylalanine 1667 with leucine.
Molecular consequence: missense variant.
Genome position (GRCh38, 1-based): chr2:165,091,152, A>C on the plus strand (T>G on the coding strand, the complement: SCN3A is on the minus strand). VCF-style: chr2-165091152-A-C. GRCh37 (hg19) VCF-style: chr2-165947662-A-C.
Other names: c.4854T>G, p.Phe1618Leu (NM_001081676.2, NM_001081677.2); short protein forms F1667L, F1618L.
Identifiers: ClinVar variation 2990444 (VCV002990444.3), dbSNP rs371096432, ClinGen allele CA349017684.
Genomic context (GRCh38, chr2:165,091,152, plus strand): 5'-ATCAATTCCAGCTTCCTTTTTAACATAGGCAAAGTTGGACATCCCAAAGATGGCATAGAT[A>C]AACATGACCAGGAAGAGCAGGAGGCCGATGTTAAACAACGCAGGAAGGGACATCATCAAA-3'
Protein context (NP_008853.3, residues 1657-1677): NIGLLLFLVM[Phe1667Leu]IYAIFGMSNF

ClinVar aggregate classification (germline): Uncertain significance (1 of 4 stars; one submission).

Submission:

Labcorp Genetics (formerly Invitae), Labcorp
Classification: Uncertain significance. Last evaluated: 2023-08-29. Review status: criteria provided, single submitter. Criteria: Invitae Variant Classification Sherloc (09022015). Collection method: clinical testing. Allele origin: germline.
Comment: This variant has not been reported in the literature in individuals affected with SCN3A-related conditions. This variant is not present in population databases (gnomAD no frequency). Advanced modeling of protein sequence and biophysical properties (such as structural, functional, and spatial information, amino acid conservation, physicochemical variation, residue mobility, and thermodynamic stability) has been performed at Invitae for this missense variant, however the output from this modeling did not meet the statistical confidence thresholds required to predict the impact of this variant on SCN3A protein function. In summary, the available evidence is currently insufficient to determine the role of this variant in disease. Therefore, it has been classified as a Variant of Uncertain Significance. This sequence change replaces phenylalanine, which is neutral and non-polar, with leucine, which is neutral and non-polar, at codon 1667 of the SCN3A protein (p.Phe1667Leu).